The following is an entry in ClinVar:

NM_006180.6(NTRK2):c.2130C>T (p.Asp710=)

Gene: NTRK2 (neurotrophic receptor tyrosine kinase 2; plus strand). Cytogenetic location: 9q21.33.
Variant type: single nucleotide variant.
Coding change: c.2130C>T on transcript NM_006180.6 (MANE Select); coding-DNA position 2130, C replaced by T.
Protein change: p.Asp710=; no amino-acid change (aspartic acid 710 retained).
Molecular consequence: synonymous variant.
Genome position (GRCh38, 1-based): chr9:84,955,475, C>T. VCF-style: chr9-84955475-C-T. GRCh37 (hg19) VCF-style: chr9-87570390-C-T.
Other names: c.2082C>T, p.Asp694= (NM_001018064.3, NM_001369532.1, NM_001369533.1); c.2046C>T, p.Asp682= (NM_001369534.1); c.1614C>T, p.Asp538= (NM_001369535.1); c.1662C>T, p.Asp554= (NM_001369536.1); c.2130C>T, p.Asp710= (NM_001381928.1); c.2130C>T (NM_006180.4).
Identifiers: ClinVar variation 1957725 (VCV001957725.7), dbSNP rs200207499, ClinGen allele CA195815116.

ClinVar aggregate classification (germline): Likely benign. Review status: criteria provided, single submitter (1 of 4 stars). 2 submissions from 2 submitters: Likely benign (1). 1 of the submissions does not count toward it. Last evaluated 2025-04-23.

Conditions:
NTRK2-related disorder. Also called: NTRK2-related condition.

Allele frequency attached by ClinVar (database versions not stated): gnomAD exomes below 0.00001; gnomAD 0.00002; ESP Exome Variant Server 0.00008; TOPMed 0.00004.
gnomAD v4.1: 8 of 1,614,116 alleles (0.0005%); highest among the groups gnomAD compares: African/African-American, 0.011%; no homozygotes.

Submissions (2):

Labcorp Genetics (formerly Invitae), Labcorp
Classification: Likely benign. Last evaluated: 2025-04-23. Review status: criteria provided, single submitter. Criteria: Invitae Variant Classification Sherloc (09022015). Collection method: clinical testing. Allele origin: germline.

PreventionGenetics, part of Exact Sciences
Classification: Likely benign for NTRK2-related condition. Last evaluated: 2022-05-03. Review status: no assertion criteria provided. Collection method: clinical testing. Allele origin: germline. Not counted in ClinVar's aggregate classification.
Comment: This variant is classified as likely benign based on ACMG/AMP sequence variant interpretation guidelines (Richards et al. 2015 PMID: 25741868, with internal and published modifications).